The following is an entry in ClinVar:

NM_032638.5(GATA2):c.100A>G (p.Met34Val)

Gene: GATA2 (GATA binding protein 2; minus strand). Cytogenetic location: 3q21.3.
Variant type: single nucleotide variant.
Coding change: c.100A>G on transcript NM_032638.5 (MANE Select); coding-DNA position 100, A replaced by G.
Protein change: p.Met34Val; replaces methionine 34 with valine.
Molecular consequence: missense variant.
Genome position (GRCh38, 1-based): chr3:128,486,932, T>C on the plus strand (A>G on the coding strand, the complement: GATA2 is on the minus strand). VCF-style: chr3-128486932-T-C. GRCh37 (hg19) VCF-style: chr3-128205775-T-C.
Other names: c.100A>G (NM_032638.4, NM_001145661.1); c.100A>G, p.Met34Val (NM_001145661.2, NM_001145662.1); short protein forms M34V.
Identifiers: ClinVar variation 1053383 (VCV001053383.11), dbSNP rs762794939, ClinGen allele CA354408893.

ClinVar aggregate classification (germline): Uncertain significance. Review status: criteria provided, multiple submitters, no conflicts (2 of 4 stars). 3 submissions from 3 submitters: Uncertain significance (3). Last evaluated 2026-07-06.

Conditions:
Inborn genetic diseases. Identifiers: MedGen C0950123, MeSH D030342.
Deafness-lymphedema-leukemia syndrome. Also called: Emberger syndrome; Lymphedema, primary, with myelodysplasia. Identifiers: Orphanet 3226, MedGen C3279664, MONDO:0013540, OMIM 614038.
Monocytopenia with susceptibility to infections. Also called: MONOCYTOPENIA AND MYCOBACTERIAL INFECTION SYNDROME; MONOCYTOPENIA WITH SUSCEPTIBILITY TO MYCOBACTERIAL, FUNGAL, AND PAPILLOMAVIRUS INFECTIONS AND MYELODYSPLASIA; COMBINED IMMUNODEFICIENCY WITH SUSCEPTIBILITY TO MYCOBACTERIAL, VIRAL, AND FUNGAL INFECTIONS; Dendritic cell, monocyte, B lymphocyte, and natural killer lymphocyte deficiency; IMMUNODEFICIENCY 21; GATA2 DEFICIENCY. Identifiers: Orphanet 228423, MedGen C3280030, MONDO:0013607, OMIM 614172.

Submissions (3):

Ambry Genetics
Classification: Uncertain significance for Inborn genetic diseases. Last evaluated: 2026-07-06. Review status: criteria provided, single submitter. Criteria: Ambry Variant Classification Scheme 2023. Collection method: clinical testing. Allele origin: germline.
Comment: The p.M34V variant (also known as c.100A>G), located in coding exon 1 of the GATA2 gene, results from an A to G substitution at nucleotide position 100. The methionine at codon 34 is replaced by valine, an amino acid with highly similar properties. This amino acid position is conserved. In addition, this alteration is predicted to be deleterious by in silico analysis. Based on the available evidence, the clinical significance of this variant remains unclear.

GeneDx
Classification: Uncertain significance. Last evaluated: 2024-03-26. Review status: criteria provided, single submitter. Criteria: GeneDx Variant Classification Process June 2021. Collection method: clinical testing. Allele origin: germline. Affected: yes.
Comment: Not observed at significant frequency in large population cohorts (gnomAD); In silico analysis supports that this missense variant does not alter protein structure/function; Has not been previously published as pathogenic or benign to our knowledge

Labcorp Genetics (formerly Invitae), Labcorp
Classification: Uncertain significance for Monocytopenia with susceptibility to infections; Deafness-lymphedema-leukemia syndrome. Last evaluated: 2020-08-26. Review status: criteria provided, single submitter. Criteria: Invitae Variant Classification Sherloc (09022015). Collection method: clinical testing. Allele origin: germline.
Comment: In summary, the available evidence is currently insufficient to determine the role of this variant in disease. Therefore, it has been classified as a Variant of Uncertain Significance. This sequence change replaces methionine with valine at codon 34 of the GATA2 protein (p.Met34Val). The methionine residue is moderately conserved and there is a small physicochemical difference between methionine and valine. This variant is not present in population databases (ExAC no frequency). This variant has not been reported in the literature in individuals with GATA2-related conditions. Advanced modeling of protein sequence and biophysical properties (such as structural, functional, and spatial information, amino acid conservation, physicochemical variation, residue mobility, and thermodynamic stability) performed at Invitae indicates that this missense variant is not expected to disrupt GATA2 protein function.